The following is an entry in ClinVar:

ClinVar aggregate classification (germline): Likely benign. Review status: criteria provided, multiple submitters, no conflicts (2 of 4 stars). 2 submissions from 2 submitters: Likely benign (2). Last evaluated 2025-08-29.

Conditions:
Pheochromocytoma/paraganglioma syndrome 5. Also called: Paragangliomas 5; SDHA-Related Hereditary Paraganglioma-Pheochromocytoma Syndrome. Identifiers: Orphanet 29072, MedGen C3279992, MONDO:0013602, OMIM 614165.
Mitochondrial complex II deficiency, nuclear type 1. Also called: SUCCINATE CoQ REDUCTASE DEFICIENCY. Identifiers: Orphanet 3208, MedGen C5700310, MONDO:0100294, OMIM 252011.

Submissions (2):

Labcorp Genetics (formerly Invitae), Labcorp
Classification: Likely benign for Pheochromocytoma/paraganglioma syndrome 5; Mitochondrial complex II deficiency, nuclear type 1. Last evaluated: 2025-08-29. Review status: criteria provided, single submitter. Criteria: Invitae Variant Classification Sherloc (09022015). Collection method: clinical testing. Allele origin: germline.

Myriad Genetics, Inc.
Classification: Likely benign for Pheochromocytoma/paraganglioma syndrome 5. Last evaluated: 2025-03-10. Review status: criteria provided, single submitter. Criteria: Myriad Autosomal Dominant, Autosomal Recessive and X-Linked Classification Criteria (2023). Collection method: clinical testing. Allele origin: unknown.
Comment: This variant is considered likely benign. This variant is intronic and is not expected to impact mRNA splicing.

NM_004168.4(SDHA):c.1433-18A>G

Gene: SDHA (succinate dehydrogenase complex flavoprotein subunit A; plus strand). Cytogenetic location: 5p15.33.
Variant type: single nucleotide variant.
Coding change: c.1433-18A>G on transcript NM_004168.4 (MANE Select); 18 bases into the intron before coding-DNA position 1433, A replaced by G.
Molecular consequence: intron variant.
Genome position (GRCh38, 1-based): chr5:240,340, A>G. VCF-style: chr5-240340-A-G. GRCh37 (hg19) VCF-style: chr5-240455-A-G.
Other names: c.1433-18A>G (NM_001330758.2); c.1289-18A>G (NM_001294332.2).
Identifiers: ClinVar variation 2047300 (VCV002047300.5), dbSNP rs1368912407, ClinGen allele CA557114017.
Genomic context (GRCh38, chr5:240,340, plus strand): 5'-GTTTGTGTGTCATTCTAAATCCATTTGGTTTTTTAAAACGGTTTTCAAAAGTTAAATTCT[A>G]GCTTTTTTTTGTTTTAGGAGATAAAGTCCCTCCAATTAAACCAAACGCTGGGGAAGAATC-3'